The following continues an entry in ClinVar:

NM_000492.4(CFTR):c.350G>A (p.Arg117His)

Gene: CFTR. ClinVar aggregate classification (germline): Pathogenic. Pathogenic (1).

Submissions 26 to 39 of 50:

Institute of Reproductive Genetics, University of Münster
Classification: Pathogenic for Obstructive azoospermia. Last evaluated: 2021-08-23. Review status: criteria provided, single submitter. Criteria: ACMG Guidelines, 2015. Collection method: clinical testing. Allele origin: germline. Affected: yes. Observed: 4 variant alleles. Not counted in ClinVar's aggregate classification.

Genome-Nilou Lab
Classification: Pathogenic for Cystic fibrosis. Last evaluated: 2021-07-22. Review status: criteria provided, single submitter. Criteria: ACMG Guidelines, 2015. Collection method: clinical testing. Allele origin: germline. Affected: no. Not counted in ClinVar's aggregate classification.

Pars Genome Lab
Classification: Pathogenic for Cystic fibrosis. Last evaluated: 2021-05-18. Review status: criteria provided, single submitter. Criteria: ACMG Guidelines, 2015. Collection method: clinical testing. Allele origin: germline. Affected: no. Not counted in ClinVar's aggregate classification.

Institute of Medical Genetics and Applied Genomics, University Hospital Tübingen
Classification: Pathogenic. Last evaluated: 2020-10-23. Review status: criteria provided, single submitter. Criteria: ACMG Guidelines, 2015. Collection method: clinical testing. Allele origin: germline. Inheritance: Autosomal recessive inheritance. Affected: yes. Not counted in ClinVar's aggregate classification.

Genomic Research Center, Shahid Beheshti University of Medical Sciences
Classification: Pathogenic. Last evaluated: 2020-05-03. Review status: criteria provided, single submitter. Criteria: ACMG Guidelines, 2015. Collection method: clinical testing. Allele origin: unknown. Affected: no. Not counted in ClinVar's aggregate classification.

Myriad Genetics, Inc.
Classification: Pathogenic for Cystic fibrosis. Last evaluated: 2019-10-18. Review status: criteria provided, single submitter. Criteria: Myriad Women's Health Autosomal Recessive and X-Linked Classification Criteria (2019). Collection method: clinical testing. Allele origin: unknown. Not counted in ClinVar's aggregate classification.
Comment: NM_000492.3(CFTR):c.350G>A(R117H) is classified as pathogenic in the context of cystic fibrosis. Please note that the R117H mutation is associated with a broad spectrum of disease, ranging from clinically asymptomatic to CAVD/non-classic cystic fibrosis. Individuals with R117H should have testing for the poly-T tract (5T) to determine accurate risk. Individuals with R117H and 5T in cis are at highest risk for CF symptoms. In the absence of the 5T haplotype, the R117H mutation is unlikely to produce significant symptoms of cystic fibrosis. The R117H mutation in combination with another disease causing mutation may result in borderline or elevated sweat chloride and mild clinical symptoms of CF, including male infertility. Sources used for classification include PMID 23974870 and 15371902. In summary, classification of NM_000492.3(CFTR):c.350G>A(R117H) is based on the following criteria: high frequency variant with variable penetrance and variable severity dependent on the presence of other variants in the gene. Please note: this variant was assessed in the context of healthy population screening.

Genome Diagnostics Laboratory, The Hospital for Sick Children
Classification: Pathogenic for Cystic fibrosis. Last evaluated: 2019-07-23. Review status: criteria provided, single submitter. Criteria: ACMG Guidelines, 2015. Collection method: clinical testing. Allele origin: germline. Not counted in ClinVar's aggregate classification.

Mendelics
Classification: Pathogenic for Cystic fibrosis. Last evaluated: 2018-11-05. Review status: criteria provided, single submitter. Criteria: Mendelics Assertion Criteria 2017. Collection method: clinical testing. Allele origin: unknown. Affected: yes. Not counted in ClinVar's aggregate classification.

Laboratory for Molecular Medicine, Mass General Brigham Personalized Medicine
Classification: Pathogenic for Cystic fibrosis; Congenital bilateral absence of vas deferens. Last evaluated: 2018-10-24. Review status: criteria provided, single submitter. Criteria: LMM Criteria. Collection method: clinical testing. Allele origin: germline. Inheritance: Autosomal recessive inheritance. Observed: 1 variant allele. Not counted in ClinVar's aggregate classification.
Comment: The p.Arg117His variant in the CFTR gene is an established variant for cystic fi brosis (CF) that is recommended for by the American College of Medical Genetics (ACMG) for inclusion on the CF population carrier screening panel (Watson 2004, Moskowitz 2008, Castellani 2008). Functional studies have shown that the p.Arg11 7His variant results in defective protein conductance but retains some residual CFTR function (De Boek 2014). As a result, this variant has been classified as a class IV variant. The severity of lung disease in individuals that are compound heterozygous or homozygous for p.Arg117His variant is contingent on the presenc e of a variation in the poly T/poly TG tract of intron 8 that is in cis (same ch romosome copy) with p.Arg117His. A shorter poly T tract together with a longer T G tract results in the strongest aberrant impact to intron 8 splicing and theref ore associated with more severe disease (Moskowitz 2008). Therefore, individuals with a pathogenic CF variant on one chromosome copy and a 5T variant in cis wit h the p.Arg117His variant on the other chromosome copy usually develop CF-relate d lung disease. In contrast, those with p.Arg117His variant in cis with 7T or 9T variant have a highly variable phenotype that can range from clinically asympto matic to congenital absence of the vas deferens (CAVD) in males and/or non-class ic CF (Kieswetter 1993, Massie 2001). In summary, this variant is classified as pathogenic for CF and related disorders in an autosomal recessive manner. ACMG/A MP criteria applied: PM3_VeryStrong, PS3_Moderate.

Undiagnosed Diseases Network, NIH
Classification: Pathogenic for Cystic fibrosis. Last evaluated: 2018-07-22. Review status: criteria provided, single submitter. Criteria: ACMG Guidelines, 2015. Collection method: clinical testing. Allele origin: maternal. Inheritance: Autosomal recessive inheritance. Affected: yes. Observed: 1 variant allele, 1 compound heterozygote. Study: Undiagnosed Diseases Network (NIH), UDN. Not counted in ClinVar's aggregate classification.

GeneDx
Classification: Pathogenic. Last evaluated: 2018-05-07. Review status: criteria provided, single submitter. Criteria: GeneDx Variant Classification (06012015). Collection method: clinical testing. Allele origin: germline. Affected: yes. Not counted in ClinVar's aggregate classification.
Comment: The R117H variant in the CFTR gene has been reported multiple times previously as a common variant in the CFTR gene (Moskowitz et al., 2008). R117H is a class IV variant which results in defective protein conductance but allows for some residual CFTR function (De Boeck et al., 2014). The severity of disease in individuals with one or two R117H pathogenic variants depends on the presence of a variation in the intron 8 poly T tract and the length of the TG tract in cis configuration with the R117H variant (Moskowitz et al., 2008). A longer TG tract in association with a shorter poly T tract has the strongest adverse effect on intron 8 splicing and are associated with more severe disease (Moskowitz et al., 2008). Individuals with a CFTR pathogenic variant in trans with the R117H variant and 5T variant usually develop the lung disease of CF, but individuals with R117H and the 7T variant or the 9T variant have a highly variable phenotype ranging from clinically asymptomatic to congenital absence of the vas deferens (CAVD) and/or non-classic cystic fibrosis (Moskowitz et al., 2008). Given the available information, we interpret R117H as a pathogenic variant.

CFTR-France
Classification: Pathogenic for CFTR-related disorders. Last evaluated: 2018-01-29. Review status: criteria provided, single submitter. Criteria: Claustres M et al. (Hum Mutat 2017). Collection method: curation. Allele origin: germline. Affected: yes and no. Not counted in ClinVar's aggregate classification.

Eurofins Ntd Llc (ga)
Classification: Pathogenic. Last evaluated: 2017-05-15. Review status: criteria provided, single submitter. Criteria: EGL Classification Definitions. Collection method: clinical testing. Allele origin: germline. Observed: 19 variant alleles, 19 heterozygotes. Not counted in ClinVar's aggregate classification.

Illumina Laboratory Services, Illumina
Classification: Pathogenic for CFTR-Related Disorders. Last evaluated: 2017-04-27. Review status: criteria provided, single submitter. Criteria: ICSL Variant Classification Criteria 09 May 2019. Collection method: clinical testing. Allele origin: germline. Not counted in ClinVar's aggregate classification.
Comment: The CFTR c.350G>A (p.Arg117His) variant is included within the American College of Medical Genetics and Genomics (ACMG) recommended carrier screening panel for cystic fibrosis (Grody et al. 2001). There are multiple clinical implications for the p.Arg117His variant that are dependent on the length of the intron 8 polythymidine tract (polyT) region within the CFTR gene. Kiesewetter et al. (1993) and Massie et al. (2001) assessed the influence of the intron-8 polythymidine sequence (IVS8) on the relationship between the genotype and phenotype of individuals with the p.Arg117His variant. They found that when the p.Arg117His variant was found in cis with five thymidines (5T), and in trans to a pathogenic CF variant, the individual was most commonly affected with classic CF. When the p.Arg117His variant was identified in cis with seven thymidines (7T) and in trans to a pathogenic CF variant, male individuals were often affected with congenital absence of the vas deferens (CAVD), and males and females often presented with a milder variation of CF. In the CFTR2 database, the variant was found in 793 CF patients (808 alleles) and was classified as a mutation of varying clinical consequence (Sosnay et al. 2013). The p.Arg117His variant is reported at a frequency of 0.00256 in the European (non-Finnish) population of the Exome Aggregation Consortium. Based on the collective evidence, the p.Arg117His variant is classified as pathogenic for CFTR-related disorders. This variant was observed by ICSL as part of a predisposition screen in an ostensibly healthy population.